The following is an entry in ClinVar:

ClinVar aggregate classification (germline): Uncertain significance. Review status: criteria provided, multiple submitters, no conflicts (2 of 4 stars). 2 submissions from 2 submitters: Uncertain significance (2). Last evaluated 2023-06-03.

Submissions (2):

Labcorp Genetics (formerly Invitae), Labcorp
Classification: Uncertain significance. Last evaluated: 2023-06-03. Review status: criteria provided, single submitter. Criteria: Invitae Variant Classification Sherloc (09022015). Collection method: clinical testing. Allele origin: germline.
Comment: In summary, the available evidence is currently insufficient to determine the role of this variant in disease. Therefore, it has been classified as a Variant of Uncertain Significance. An algorithm developed to predict the effect of missense changes on protein structure and function (PolyPhen-2) suggests that this variant is likely to be disruptive. This variant has not been reported in the literature in individuals affected with SLC7A14-related conditions. This variant is not present in population databases (gnomAD no frequency). This sequence change replaces threonine, which is neutral and polar, with proline, which is neutral and non-polar, at codon 420 of the SLC7A14 protein (p.Thr420Pro).

Ambry Genetics
Classification: Uncertain significance. Last evaluated: 2023-05-03. Review status: criteria provided, single submitter. Criteria: Ambry Variant Classification Scheme 2023. Collection method: clinical testing. Allele origin: germline.

NM_020949.3(SLC7A14):c.1258A>C (p.Thr420Pro)

Genes: SLC7A14 (solute carrier family 7 member 14; minus strand), SLC7A14-AS1 (SLC7A14 antisense RNA 1; plus strand). Cytogenetic location: 3q26.2.
Variant type: single nucleotide variant.
Coding change: c.1258A>C on transcript NM_020949.3 (MANE Select); coding-DNA position 1258, A replaced by C.
Protein change: p.Thr420Pro; replaces threonine 420 with proline.
Molecular consequence: missense variant.
Genome position (GRCh38, 1-based): chr3:170,481,024, T>G on the plus strand (A>C on the coding strand, the complement: SLC7A14 is on the minus strand). VCF-style: chr3-170481024-T-G. GRCh37 (hg19) VCF-style: chr3-170198813-T-G.
Other names: short protein forms T420P.
Identifiers: ClinVar variation 2537936 (VCV002537936.5), dbSNP rs1161302384, ClinGen allele CA355490908.